The following is an entry in ClinVar:

NM_003361.4(UMOD):c.1196A>G (p.His399Arg)

Gene: UMOD (uromodulin; minus strand). Cytogenetic location: 16p12.3.
Variant type: single nucleotide variant.
Coding change: c.1196A>G on transcript NM_003361.4 (MANE Select); coding-DNA position 1196, A replaced by G.
Protein change: p.His399Arg; replaces histidine 399 with arginine.
Molecular consequence: missense variant. On other transcripts: non-coding transcript variant (1).
Genome position (GRCh38, 1-based): chr16:20,344,159, T>C on the plus strand (A>G on the coding strand, the complement: UMOD is on the minus strand). VCF-style: chr16-20344159-T-C. GRCh37 (hg19) VCF-style: chr16-20355481-T-C.
Other names: c.1196A>G, p.His399Arg (NM_001008389.3, NM_001378232.1, NM_001378233.1 and 3 more transcripts); c.1295A>G, p.His432Arg (NM_001278614.2); short protein forms H399R, H432R.
Identifiers: ClinVar variation 1077015 (VCV001077015.3), dbSNP rs1596552335, ClinGen allele CA394982999.

ClinVar aggregate classification (germline): Likely pathogenic (1 of 4 stars; one submission).

Conditions:
Familial juvenile hyperuricemic nephropathy type 1 (ADTKD1). Also called: Autosomal Dominant Tubulointerstitial Kidney Disease – UMOD; UMOD-Associated Kidney Disease; Uromodulin-associated kidney disease; Glomerulocystic kidney disease with hyperuricemia and isosthenuria; Medullary cystic kidney disease 2. Identifiers: Orphanet 209886, Orphanet 34149, Orphanet 88950, MedGen C4551496, MONDO:0008073, OMIM 162000.

gnomAD v4.1: 1 of 1,398,600 alleles (0.000072%); highest among the groups gnomAD compares: East Asian, 0.0035%; no homozygotes.

Submission:

Precision Medicine Center, Zhengzhou University
Classification: Likely pathogenic for Familial juvenile hyperuricemic nephropathy type 1. Review status: criteria provided, single submitter. Criteria: ACMG Guidelines, 2015. Collection method: research. Allele origin: germline. Affected: yes.
Comment: PM1:Located in well-established functional domain PM2:not found in gnomAD PP2:Missense variant in a gene that has a low rate of benign missense variation and in which missense variants are a common mechanism of disease PP3:Multiple lines of computational evidence support a deleterious effect on the gene or gene product